The following is an entry in ClinVar:

NM_001384732.1(CPLANE1):c.6309T>G (p.Cys2103Trp)

Gene: CPLANE1 (ciliogenesis and planar polarity effector complex subunit 1; minus strand). Cytogenetic location: 5p13.2.
Variant type: single nucleotide variant.
Coding change: c.6309T>G on transcript NM_001384732.1 (MANE Select); coding-DNA position 6309, T replaced by G.
Protein change: p.Cys2103Trp; replaces cysteine 2103 with tryptophan.
Molecular consequence: missense variant.
Genome position (GRCh38, 1-based): chr5:37,170,194, A>C on the plus strand (T>G on the coding strand, the complement: CPLANE1 is on the minus strand). VCF-style: chr5-37170194-A-C. GRCh37 (hg19) VCF-style: chr5-37170296-A-C.
Other names: c.6309T>G, p.Cys2103Trp (NM_023073.4); short protein forms C2103W.
Identifiers: ClinVar variation 1022632 (VCV001022632.8), dbSNP rs749862200, ClinGen allele CA3238287.
Genomic context (GRCh38, chr5:37,170,194, plus strand): 5'-TGACTGTGGTTTAATAAAAAATCTCTCCTTAAGATTTTTGTTGCTGTCTTCAACATCACC[A>C]CATCCTCTTAGGTTTGATTCTTGGCTTTCCCCTAAATGCACAGACTGAGACTGCTGTACA-3'
Protein context (NP_001371661.1, residues 2093-2113): GESQESNLRG[Cys2103Trp]GDVEDSNKNL

ClinVar aggregate classification (germline): Conflicting classifications of pathogenicity. Review status: criteria provided, conflicting classifications (1 of 4 stars). 4 submissions from 4 submitters: Uncertain significance (3); Likely benign (1). Last evaluated 2025-05-28.

Conditions:
Joubert syndrome 17 (JBTS17). Identifiers: Orphanet 475, MedGen C3553264, MONDO:0013824, OMIM 614615.
Orofaciodigital syndrome type 6 (OFD6). Also called: OROFACIODIGITAL SYNDROME VI; OFDS VI; POLYDACTYLY, CLEFT LIP/PALATE OR LINGUAL LUMP, AND PSYCHOMOTOR RETARDATION; VARADI SYNDROME; VARADI-PAPP SYNDROME; Oral-facial-digital syndrome type 6. Identifiers: Orphanet 2754, MedGen C2745997, MONDO:0010176, OMIM 277170.
Inborn genetic diseases. Identifiers: MedGen C0950123, MeSH D030342.

Allele frequency attached by ClinVar (database versions not stated): gnomAD 0.00001; TOPMed 0.00001; gnomAD exomes 0.00002; ExAC 0.00003.
gnomAD v4.1: 35 of 1,613,996 alleles (0.0022%); highest among the groups gnomAD compares: Middle Eastern, 0.16%; 1 homozygote.

Submissions (4):

Labcorp Genetics (formerly Invitae), Labcorp
Classification: Uncertain significance. Last evaluated: 2025-05-28. Review status: criteria provided, single submitter. Criteria: Invitae Variant Classification Sherloc (09022015). Collection method: clinical testing. Allele origin: germline.
Comment: This sequence change replaces cysteine, which is neutral and slightly polar, with tryptophan, which is neutral and slightly polar, at codon 2103 of the CPLANE1 protein (p.Cys2103Trp). This variant is present in population databases (rs749862200, gnomAD 0.005%). This variant has not been reported in the literature in individuals affected with CPLANE1-related conditions. ClinVar contains an entry for this variant (Variation ID: 1022632). Invitae Evidence Modeling of protein sequence and biophysical properties (such as structural, functional, and spatial information, amino acid conservation, physicochemical variation, residue mobility, and thermodynamic stability) indicates that this missense variant is not expected to disrupt CPLANE1 protein function with a negative predictive value of 95%. In summary, the available evidence is currently insufficient to determine the role of this variant in disease. Therefore, it has been classified as a Variant of Uncertain Significance.

Fulgent Genetics
Classification: Likely benign for Orofaciodigital syndrome type 6; Joubert syndrome 17. Last evaluated: 2024-06-06. Review status: criteria provided, single submitter. Criteria: ACMG Guidelines, 2015. Collection method: clinical testing. Allele origin: germline.

Blueprint Genetics
Classification: Uncertain significance. Last evaluated: 2024-03-15. Review status: criteria provided, single submitter. Criteria: ACMG Guidelines, 2015. Collection method: clinical testing. Allele origin: germline.

Ambry Genetics
Classification: Uncertain significance for Inborn genetic diseases. Last evaluated: 2022-01-28. Review status: criteria provided, single submitter. Criteria: Ambry Variant Classification Scheme 2023. Collection method: clinical testing. Allele origin: germline.